The following is an entry in ClinVar:

ClinVar aggregate classification (germline): Uncertain significance. Review status: criteria provided, multiple submitters, no conflicts (2 of 4 stars). 2 submissions from 2 submitters: Uncertain significance (2). Last evaluated 2024-11-14.

Submissions (2):

GeneDx
Classification: Uncertain significance. Last evaluated: 2024-11-14. Review status: criteria provided, single submitter. Criteria: GeneDx Variant Classification Process June 2021. Collection method: clinical testing. Allele origin: germline. Affected: yes.
Comment: Not observed at significant frequency in large population cohorts (gnomAD); In silico analysis supports that this missense variant has a deleterious effect on protein structure/function; Has not been previously published as pathogenic or benign to our knowledge

Labcorp Genetics (formerly Invitae), Labcorp
Classification: Uncertain significance. Last evaluated: 2024-02-15. Review status: criteria provided, single submitter. Criteria: Invitae Variant Classification Sherloc (09022015). Collection method: clinical testing. Allele origin: germline.
Comment: This sequence change replaces glutamic acid, which is acidic and polar, with lysine, which is basic and polar, at codon 229 of the PPM1D protein (p.Glu229Lys). This variant is not present in population databases (gnomAD no frequency). This missense change has been observed in individual(s) with PPM1D-related cancer (PMID: 23907125). An algorithm developed to predict the effect of missense changes on protein structure and function (PolyPhen-2) suggests that this variant is likely to be disruptive. In summary, the available evidence is currently insufficient to determine the role of this variant in disease. Therefore, it has been classified as a Variant of Uncertain Significance.

Literature cited by the submitters: PubMed 23907125 (cited by Labcorp Genetics (formerly Invitae), Labcorp).

NM_003620.4(PPM1D):c.685G>A (p.Glu229Lys)

Genes: PPM1D (protein phosphatase, Mg2+/Mn2+ dependent 1D; plus strand), LOC129390907 (MPRA-validated peak2930 silencer; plus strand). Cytogenetic location: 17q23.2.
Variant type: single nucleotide variant.
Coding change: c.685G>A on transcript NM_003620.4 (MANE Select); coding-DNA position 685, G replaced by A.
Protein change: p.Glu229Lys; replaces glutamic acid 229 with lysine.
Molecular consequence: missense variant.
Genome position (GRCh38, 1-based): chr17:60,623,733, G>A. VCF-style: chr17-60623733-G-A. GRCh37 (hg19) VCF-style: chr17-58701094-G-A.
Other names: short protein forms E229K.
Identifiers: ClinVar variation 3671884 (VCV003671884.3).